The following is an entry in ClinVar:

ClinVar aggregate classification (germline): Uncertain significance. Review status: reviewed by expert panel (3 of 4 stars). 2 submissions from 2 submitters: Uncertain significance (1). 1 of the submissions does not count toward it. Last evaluated 2025-01-15.

Conditions:
Hereditary thrombocytopenia and hematologic cancer predisposition syndrome. Identifiers: Orphanet 71290, MedGen CN281654, MONDO:0011071.
Acute myeloid leukemia (AML). Also called: Acute myeloid leukemia, adult; AML adult; Acute non-lymphocytic leukemia; Acute granulocytic leukemia; Leukemia, acute myeloid, somatic; Leukemia, acute myelogenous, somatic. Identifiers: Orphanet 519, MedGen C0023467, MeSH D015470, MONDO:0018874, OMIM 601626, HP:0004808. Disease mechanism: Constitutively activated FLT3.

Submissions (2):

ClinGen Myeloid Malignancy Variant Curation Expert Panel
Classification: Uncertain significance for Hereditary thrombocytopenia and hematologic cancer predisposition syndrome. Last evaluated: 2025-01-15. Review status: reviewed by expert panel. Criteria: ClinGen MyeloMalig ACMG Specifications v2. Collection method: curation. Allele origin: germline. Inheritance: Autosomal dominant inheritance.
Comment: NM_001754.5(RUNX1):c.1100G>A (p.Gly367Asp) is a missense variant which is completely absent from all population databases with at least 20x coverage for RUNX1 (PM2_Supporting). In summary, the clinical significance of this variant is uncertain. ACMG/AMP criteria applied, as specified by the Myeloid Malignancy Variant Curation Expert Panel for RUNX1: PM2_supporting.

Baylor Genetics
Classification: Uncertain significance for Acute myeloid leukemia. Last evaluated: 2024-02-25. Review status: criteria provided, single submitter. Criteria: ACMG Guidelines, 2015. Collection method: clinical testing. Allele origin: unknown. Not counted in ClinVar's aggregate classification.

NM_001754.5(RUNX1):c.1100G>A (p.Gly367Asp)

Gene: RUNX1 (RUNX family transcription factor 1; minus strand). Cytogenetic location: 21q22.12.
Variant type: single nucleotide variant.
Coding change: c.1100G>A on transcript NM_001754.5 (MANE Select); coding-DNA position 1100, G replaced by A.
Protein change: p.Gly367Asp; replaces glycine 367 with aspartic acid.
Molecular consequence: missense variant.
Genome position (GRCh38, 1-based): chr21:34,792,478, C>T on the plus strand (G>A on the coding strand, the complement: RUNX1 is on the minus strand). VCF-style: chr21-34792478-C-T. GRCh37 (hg19) VCF-style: chr21-36164775-C-T.
Other names: NM_001754.5(RUNX1):c.1100G>A; p.Gly367Asp; c.1019G>A, p.Gly340Asp (NM_001001890.3); short protein forms G340D, G367D.
Identifiers: ClinVar variation 3240387 (VCV003240387.2), dbSNP rs867474432.